The following is an entry in ClinVar:

ClinVar aggregate classification (germline): Likely benign (0 of 4 stars; one submission).

Conditions:
TRPC5-related disorder. Also called: TRPC5-related condition.

Submission:

PreventionGenetics, part of Exact Sciences
Classification: Likely benign for TRPC5-related condition. Last evaluated: 2024-05-10. Review status: no assertion criteria provided. Collection method: clinical testing. Allele origin: germline.
Comment: This variant is classified as likely benign based on ACMG/AMP sequence variant interpretation guidelines (Richards et al. 2015 PMID: 25741868, with internal and published modifications).

NM_012471.3(TRPC5):c.-10G>C

Gene: TRPC5 (transient receptor potential cation channel subfamily C member 5; minus strand). Cytogenetic location: Xq23.
Variant type: single nucleotide variant.
Coding change: c.-10G>C on transcript NM_012471.3 (MANE Select); 10 bases upstream of the start codon, G replaced by C.
Molecular consequence: 5 prime UTR variant.
Genome position (GRCh38, 1-based): chrX:111,952,430, C>G on the plus strand (G>C on the coding strand, the complement: TRPC5 is on the minus strand). VCF-style: chrX-111952430-C-G. GRCh37 (hg19) VCF-style: chrX-111195658-C-G.
Identifiers: ClinVar variation 3347777 (VCV003347777.1).
Genomic context (GRCh38, chrX:111,952,430, plus strand): 5'-GCGGTCTCTGTACGGTGAGTAGTTGACCTTTTTGTAGTACAGTTGGGCCATGGTTCATAG[C>G]AATGCAGAAATCTGAGTGAGGAAACAGAGAAAGACCAAAATATCCTTAGATACGTGGAGG-3'